The following is an entry in ClinVar:

ClinVar aggregate classification (germline): Uncertain significance. Review status: criteria provided, multiple submitters, no conflicts (2 of 4 stars). 2 submissions from 2 submitters: Uncertain significance (2). Last evaluated 2024-11-22.

Conditions:
Inborn genetic diseases. Identifiers: MedGen C0950123, MeSH D030342.

gnomAD v4.1: 2 of 1,612,550 alleles (0.00012%); highest among the groups gnomAD compares: Non-Finnish European, 0.00017%; no homozygotes.

Submissions (2):

Ambry Genetics
Classification: Uncertain significance for Inborn genetic diseases. Last evaluated: 2024-11-22. Review status: criteria provided, single submitter. Criteria: Ambry Variant Classification Scheme 2023. Collection method: clinical testing. Allele origin: germline.
Comment: The p.I276V variant (also known as c.826A>G), located in coding exon 9 of the DDX41 gene, results from an A to G substitution at nucleotide position 826. The isoleucine at codon 276 is replaced by valine, an amino acid with highly similar properties. This amino acid position is conserved. In addition, this alteration is predicted to be tolerated by in silico analysis. Based on the available evidence, the clinical significance of this variant remains unclear.

Labcorp Genetics (formerly Invitae), Labcorp
Classification: Uncertain significance. Last evaluated: 2024-08-29. Review status: criteria provided, single submitter. Criteria: Invitae Variant Classification Sherloc (09022015). Collection method: clinical testing. Allele origin: germline.
Comment: This sequence change replaces isoleucine, which is neutral and non-polar, with valine, which is neutral and non-polar, at codon 276 of the DDX41 protein (p.Ile276Val). This variant is not present in population databases (gnomAD no frequency). This variant has not been reported in the literature in individuals affected with DDX41-related conditions. An algorithm developed to predict the effect of missense changes on protein structure and function (PolyPhen-2) suggests that this variant is likely to be tolerated. In summary, the available evidence is currently insufficient to determine the role of this variant in disease. Therefore, it has been classified as a Variant of Uncertain Significance.

NM_016222.4(DDX41):c.826A>G (p.Ile276Val)

Gene: DDX41 (DEAD-box helicase 41; minus strand). Cytogenetic location: 5q35.3.
Variant type: single nucleotide variant.
Coding change: c.826A>G on transcript NM_016222.4 (MANE Select); coding-DNA position 826, A replaced by G.
Protein change: p.Ile276Val; replaces isoleucine 276 with valine.
Molecular consequence: missense variant.
Genome position (GRCh38, 1-based): chr5:177,514,810, T>C on the plus strand (A>G on the coding strand, the complement: DDX41 is on the minus strand). VCF-style: chr5-177514810-T-C. GRCh37 (hg19) VCF-style: chr5-176941811-T-C.
Other names: c.448A>G, p.Ile150Val (NM_001321732.2, NM_001321830.2); short protein forms I150V, I276V.
Identifiers: ClinVar variation 3500524 (VCV003500524.3).